The following is an entry in ClinVar:

ClinVar aggregate classification (germline): Uncertain significance (1 of 4 stars; one submission).

gnomAD v4.1: 3 of 1,587,414 alleles (0.00019%); highest among the groups gnomAD compares: Non-Finnish European, 0.00026%; no homozygotes.

Submission:

Labcorp Genetics (formerly Invitae), Labcorp
Classification: Uncertain significance. Last evaluated: 2025-03-15. Review status: criteria provided, single submitter. Criteria: Invitae Variant Classification Sherloc (09022015). Collection method: clinical testing. Allele origin: germline.
Comment: This sequence change replaces proline, which is neutral and non-polar, with leucine, which is neutral and non-polar, at codon 237 of the LEMD3 protein (p.Pro237Leu). This variant is not present in population databases (gnomAD no frequency). This variant has not been reported in the literature in individuals affected with LEMD3-related conditions. ClinVar contains an entry for this variant (Variation ID: 2810714). Invitae Evidence Modeling of protein sequence and biophysical properties (such as structural, functional, and spatial information, amino acid conservation, physicochemical variation, residue mobility, and thermodynamic stability) indicates that this missense variant is not expected to disrupt LEMD3 protein function with a negative predictive value of 80%. In summary, the available evidence is currently insufficient to determine the role of this variant in disease. Therefore, it has been classified as a Variant of Uncertain Significance.

NM_014319.5(LEMD3):c.710C>T (p.Pro237Leu)

Gene: LEMD3 (LEM domain containing 3; plus strand). Cytogenetic location: 12q14.3.
Variant type: single nucleotide variant.
Coding change: c.710C>T on transcript NM_014319.5 (MANE Select); coding-DNA position 710, C replaced by T.
Protein change: p.Pro237Leu; replaces proline 237 with leucine.
Molecular consequence: missense variant.
Genome position (GRCh38, 1-based): chr12:65,170,306, C>T. VCF-style: chr12-65170306-C-T. GRCh37 (hg19) VCF-style: chr12-65564086-C-T.
Other names: c.710C>T, p.Pro237Leu (NM_001167614.2); short protein forms P237L.
Identifiers: ClinVar variation 2810714 (VCV002810714.3), dbSNP rs2498939171, ClinGen allele CA385673797.